The following is an entry in ClinVar:

NM_000321.3(RB1):c.1499-13T>G

Gene: RB1 (RB transcriptional corepressor 1; plus strand). Cytogenetic location: 13q14.2.
Variant type: single nucleotide variant.
Coding change: c.1499-13T>G on transcript NM_000321.3 (MANE Select); 13 bases into the intron before coding-DNA position 1499, T replaced by G.
Molecular consequence: intron variant.
Genome position (GRCh38, 1-based): chr13:48,381,234, T>G. VCF-style: chr13-48381234-T-G. GRCh37 (hg19) VCF-style: chr13-48955370-T-G.
Other names: c.1499-13T>G (NM_001407165.1, NM_001407166.1).
Identifiers: ClinVar variation 3387568 (VCV003387568.1).

ClinVar aggregate classification (germline): Likely benign (1 of 4 stars; one submission).

Conditions:
Retinoblastoma (RB1). Also called: RETINOBLASTOMA, SOMATIC. Identifiers: Orphanet 790, MedGen C0035335, MeSH D012175, MONDO:0008380, OMIM 180200, HP:0009919. Disease mechanism: loss of function. Inheritance: Both sporadic and heritable forms are tested..

gnomAD v4.1: 1 of 1,590,636 alleles (0.000063%); no homozygotes.

Submission:

All of Us Research Program, National Institutes of Health
Classification: Likely benign for Retinoblastoma. Last evaluated: 2024-02-22. Review status: criteria provided, single submitter. Criteria: ACMG Guidelines, 2015. Collection method: clinical testing. Allele origin: germline. Inheritance: Autosomal dominant inheritance. Observed: 1 variant allele, 1 heterozygote.
Comment: This study involves interpretation of variants in research participants for the purpose of population health screening. Participant phenotype was not available at the time of variant classification. Additional details can be found in publication PMID: 35346344, PMCID: PMC8962531